The following is an entry in ClinVar:

NM_001366722.1(GRIP1):c.1349del (p.Ser450fs)

Gene: GRIP1 (glutamate receptor interacting protein 1; minus strand). Cytogenetic location: 12q14.3.
Variant type: Deletion.
Coding change: c.1349del on transcript NM_001366722.1 (MANE Select); coding-DNA position 1349, one base deleted (G; older notation c.1349delG).
Protein change: p.Ser450fs; shifts the reading frame from serine 450.
Molecular consequence: frameshift variant.
Genome position (GRCh38, 1-based): chr12:66,455,414, C deleted on the plus strand (G on the coding strand, the reverse complement: GRIP1 is on the minus strand). VCF-style (leftmost placement, unchanged base first): chr12-66455413-GC-G. GRCh37 (hg19) VCF-style: chr12-66849193-GC-G.
Other names: c.1193del, p.Ser398fs (NM_001178074.2, NM_001379351.1, NM_021150.4); c.1268del, p.Ser423fs (NM_001366723.1, NM_001379348.1); c.1271del, p.Ser424fs (NM_001366724.1, NM_001379347.1); c.1427del, p.Ser476fs (NM_001379345.1); c.1349del, p.Ser450fs (NM_001379346.1, NM_001439323.1); c.1196del, p.Ser399fs (NM_001379349.1); c.1352del, p.Ser451fs (NM_001439322.1); short protein forms S398fs, S399fs, S423fs, S424fs, S450fs, S451fs, S476fs.
Identifiers: ClinVar variation 5016073 (VCV005016073.1).

ClinVar aggregate classification (germline): Pathogenic (1 of 4 stars; one submission).

Conditions:
Fraser syndrome 3. Identifiers: MedGen C4540040, MONDO:0054739, OMIM 617667.

Submission:

Myriad Genetics, Inc.
Classification: Pathogenic for Fraser syndrome 3. Last evaluated: 2026-06-24. Review status: criteria provided, single submitter. Criteria: Myriad Autosomal Dominant, Autosomal Recessive and X-Linked Classification Criteria (2023). Collection method: clinical testing. Allele origin: unknown.
Comment: NM_021150.3(GRIP1):c.1193delG(S398Tfs*5) is expected to be pathogenic in the context of Fraser syndrome, GRIP1-related. This variant is predicted to lead to an abnormal or absent protein product due to the creation of a premature termination codon in GRIP1, a gene where loss-of-function variants are known to be pathogenic. Please note: this variant was assessed in the context of healthy population screening.